The following is an entry in ClinVar:

NM_004714.3(DYRK1B):c.786C>T (p.Ser262=)

Gene: DYRK1B (dual specificity tyrosine phosphorylation regulated kinase 1B; minus strand). Cytogenetic location: 19q13.2.
Variant type: single nucleotide variant.
Coding change: c.786C>T on transcript NM_004714.3 (MANE Select); coding-DNA position 786, C replaced by T.
Protein change: p.Ser262=; no amino-acid change (serine 262 retained).
Molecular consequence: synonymous variant.
Genome position (GRCh38, 1-based): chr19:39,828,318, G>A on the plus strand (C>T on the coding strand, the complement: DYRK1B is on the minus strand). VCF-style: chr19-39828318-G-A. GRCh37 (hg19) VCF-style: chr19-40318958-G-A.
Other names: c.786C>T, p.Ser262= (NM_006483.3, NM_006484.3).
Identifiers: ClinVar variation 5000261 (VCV005000261.1).
Genomic context (GRCh38, chr19:39,828,318, plus strand): 5'-AACTACTAGCCGTGCTCCCAGGACCGGGCCGCCCCCTACCCTCTGGCCAAGCTGGCAGGA[G>A]CTGCCGAAGTCCACAATCTTGATGGCGCTGCGCTTGGGGTTGCACAGCAAGATGTTTTCG-3'
Protein context (NP_004705.1, residues 252-272): RSAIKIVDFG[Ser262=]SCQLGQRIYQ

ClinVar aggregate classification (germline): Likely benign (1 of 4 stars; one submission).

Conditions:
DYRK1B-related disorder. Also called: DYRK1B-related condition.

gnomAD v4.1: 5 of 1,614,172 alleles (0.00031%); highest among the groups gnomAD compares: Non-Finnish European, 0.00042%; no homozygotes.

Submission:

PreventionGenetics, part of Exact Sciences
Classification: Likely benign for DYRK1B-related condition. Last evaluated: 2026-06-15. Review status: criteria provided, single submitter. Criteria: ACMG Guidelines, 2015. Collection method: clinical testing. Allele origin: germline.
Comment: This variant is classified as likely benign based on ACMG/AMP sequence variant interpretation guidelines (Richards et al. 2015 PMID: 25741868, with internal and published modifications).